The following is an entry in ClinVar:

NM_001130438.3(SPTAN1):c.6491G>C (p.Ser2164Thr)

Gene: SPTAN1 (spectrin alpha, non-erythrocytic 1; plus strand). Cytogenetic location: 9q34.11.
Variant type: single nucleotide variant.
Coding change: c.6491G>C on transcript NM_001130438.3 (MANE Select); coding-DNA position 6491, G replaced by C.
Protein change: p.Ser2164Thr; replaces serine 2164 with threonine.
Molecular consequence: missense variant.
Genome position (GRCh38, 1-based): chr9:128,626,602, G>C. VCF-style: chr9-128626602-G-C. GRCh37 (hg19) VCF-style: chr9-131388881-G-C.
Other names: c.6491G>C (NM_001130438.2); c.6416G>C, p.Ser2139Thr (NM_001195532.2); c.6491G>C, p.Ser2164Thr (NM_001363759.2, NM_001375310.1, NM_001375311.2 and 1 more transcripts); c.6431G>C, p.Ser2144Thr (NM_001363765.2, NM_001375314.2); c.6527G>C, p.Ser2176Thr (NM_001375312.2, NM_001375318.1); c.6476G>C, p.Ser2159Thr (NM_003127.4); short protein forms S2164T, S2144T, S2159T, S2139T, S2176T.
Identifiers: ClinVar variation 2875980 (VCV002875980.4), dbSNP rs1858783158, ClinGen allele CA375089345.

ClinVar aggregate classification (germline): Uncertain significance. Review status: criteria provided, multiple submitters, no conflicts (2 of 4 stars). 2 submissions from 2 submitters: Uncertain significance (2). Last evaluated 2026-06-17.

Conditions:
Inborn genetic diseases. Identifiers: MedGen C0950123, MeSH D030342.
Early-infantile DEE. Also called: Early infantile epileptic encephalopathy with suppression bursts; Early infantile epileptic encephalopathy; Ohtahara syndrome. Identifiers: Orphanet 1934, MedGen C0393706, MONDO:0800491.

Allele frequency attached by ClinVar (database versions not stated): gnomAD 0.00001; TOPMed 0.00003; gnomAD exomes below 0.00001.
gnomAD v4.1: 4 of 1,613,836 alleles (0.00025%); highest among the groups gnomAD compares: African/African-American, 0.0053%; 1 homozygote.

Submissions (2):

Ambry Genetics
Classification: Uncertain significance for Inborn genetic diseases. Last evaluated: 2026-06-17. Review status: criteria provided, single submitter. Criteria: Ambry Variant Classification Scheme 2023. Collection method: clinical testing. Allele origin: germline.

Labcorp Genetics (formerly Invitae), Labcorp
Classification: Uncertain significance for Early-infantile DEE. Last evaluated: 2025-05-11. Review status: criteria provided, single submitter. Criteria: Invitae Variant Classification Sherloc (09022015). Collection method: clinical testing. Allele origin: germline.
Comment: This sequence change replaces serine, which is neutral and polar, with threonine, which is neutral and polar, at codon 2164 of the SPTAN1 protein (p.Ser2164Thr). This variant is not present in population databases (gnomAD no frequency). This variant has not been reported in the literature in individuals affected with SPTAN1-related conditions. ClinVar contains an entry for this variant (Variation ID: 2875980). Invitae Evidence Modeling of protein sequence and biophysical properties (such as structural, functional, and spatial information, amino acid conservation, physicochemical variation, residue mobility, and thermodynamic stability) has been performed for this missense variant. However, the output from this modeling did not meet the statistical confidence thresholds required to predict the impact of this variant on SPTAN1 protein function. In summary, the available evidence is currently insufficient to determine the role of this variant in disease. Therefore, it has been classified as a Variant of Uncertain Significance.